The following is an entry in ClinVar:

ClinVar aggregate classification (germline): Uncertain significance (1 of 4 stars; one submission).

Submission:

Labcorp Genetics (formerly Invitae), Labcorp
Classification: Uncertain significance. Last evaluated: 2024-12-18. Review status: criteria provided, single submitter. Criteria: Invitae Variant Classification Sherloc (09022015). Collection method: clinical testing. Allele origin: germline.
Comment: This sequence change replaces glycine, which is neutral and non-polar, with valine, which is neutral and non-polar, at codon 1310 of the COL4A4 protein (p.Gly1310Val). This variant is not present in population databases (gnomAD no frequency). This variant has not been reported in the literature in individuals affected with COL4A4-related conditions. Invitae Evidence Modeling of protein sequence and biophysical properties (such as structural, functional, and spatial information, amino acid conservation, physicochemical variation, residue mobility, and thermodynamic stability) indicates that this missense variant is expected to disrupt COL4A4 protein function with a positive predictive value of 95%. In summary, the available evidence is currently insufficient to determine the role of this variant in disease. Therefore, it has been classified as a Variant of Uncertain Significance.

NM_000092.5(COL4A4):c.3929G>T (p.Gly1310Val)

Gene: COL4A4 (collagen type IV alpha 4 chain; minus strand). Cytogenetic location: 2q36.3.
Variant type: single nucleotide variant.
Coding change: c.3929G>T on transcript NM_000092.5 (MANE Select); coding-DNA position 3929, G replaced by T.
Protein change: p.Gly1310Val; replaces glycine 1310 with valine.
Molecular consequence: missense variant.
Genome position (GRCh38, 1-based): chr2:227,030,487, C>A on the plus strand (G>T on the coding strand, the complement: COL4A4 is on the minus strand). VCF-style: chr2-227030487-C-A. GRCh37 (hg19) VCF-style: chr2-227895203-C-A.
Other names: short protein forms G1310V.
Identifiers: ClinVar variation 3695235 (VCV003695235.2).